The following is an entry in ClinVar:

ClinVar aggregate classification (germline): Uncertain significance (1 of 4 stars; one submission).

Submission:

Labcorp Genetics (formerly Invitae), Labcorp
Classification: Uncertain significance. Last evaluated: 2024-03-24. Review status: criteria provided, single submitter. Criteria: Invitae Variant Classification Sherloc (09022015). Collection method: clinical testing. Allele origin: germline.
Comment: This sequence change replaces serine, which is neutral and polar, with phenylalanine, which is neutral and non-polar, at codon 24 of the PPP2CA protein (p.Ser24Phe). This variant is not present in population databases (gnomAD no frequency). This variant has not been reported in the literature in individuals affected with PPP2CA-related conditions. Advanced modeling of protein sequence and biophysical properties (such as structural, functional, and spatial information, amino acid conservation, physicochemical variation, residue mobility, and thermodynamic stability) performed at Invitae indicates that this missense variant is not expected to disrupt PPP2CA protein function with a negative predictive value of 80%. In summary, the available evidence is currently insufficient to determine the role of this variant in disease. Therefore, it has been classified as a Variant of Uncertain Significance.

NM_002715.4(PPP2CA):c.71C>T (p.Ser24Phe)

Genes: MIR3661 (microRNA 3661; plus strand), PPP2CA (protein phosphatase 2 catalytic subunit alpha; minus strand). Cytogenetic location: 5q31.1.
Variant type: single nucleotide variant.
Coding change: c.71C>T on transcript NM_002715.4 (MANE Select); coding-DNA position 71, C replaced by T.
Protein change: p.Ser24Phe; replaces serine 24 with phenylalanine.
Molecular consequence: missense variant. On other transcripts: non-coding transcript variant (1).
Genome position (GRCh38, 1-based): chr5:134,225,791, G>A on the plus strand (C>T on the coding strand, the complement: PPP2CA is on the minus strand). VCF-style: chr5-134225791-G-A. GRCh37 (hg19) VCF-style: chr5-133561482-G-A.
Other names: short protein forms S24F.
Identifiers: ClinVar variation 3679635 (VCV003679635.2).